The following is an entry in ClinVar:

ClinVar aggregate classification (germline): Uncertain significance (1 of 4 stars; one submission).

Conditions:
Kleefstra syndrome 1 (KLEFS1). Identifiers: Orphanet 261494, MedGen C0795833, MONDO:0027407, OMIM 610253.

Allele frequency attached by ClinVar (database versions not stated): ExAC 0.00002; TOPMed below 0.00001; gnomAD 0.00001; gnomAD exomes 0.00001.
gnomAD v4.1: 12 of 1,612,236 alleles (0.00074%); highest among the groups gnomAD compares: East Asian, 0.016%; no homozygotes.

Submission:

Laboratorio de Genetica e Diagnostico Molecular, Hospital Israelita Albert Einstein
Classification: Uncertain significance for Kleefstra syndrome 1. Last evaluated: 2021-10-26. Review status: criteria provided, single submitter. Criteria: ACMG Guidelines, 2015. Collection method: clinical testing. Allele origin: germline. Affected: yes.
Comment: ACMG classification criteria: PM2 moderate, BP4 supporting

NM_024757.5(EHMT1):c.559G>C (p.Glu187Gln)

Gene: EHMT1 (euchromatic histone lysine methyltransferase 1; plus strand). Cytogenetic location: 9q34.3.
Variant type: single nucleotide variant.
Coding change: c.559G>C on transcript NM_024757.5 (MANE Select); coding-DNA position 559, G replaced by C.
Protein change: p.Glu187Gln; replaces glutamic acid 187 with glutamine.
Molecular consequence: missense variant.
Genome position (GRCh38, 1-based): chr9:137,717,099, G>C. VCF-style: chr9-137717099-G-C. GRCh37 (hg19) VCF-style: chr9-140611551-G-C.
Other names: c.559G>C, p.Glu187Gln (NM_001145527.2, NM_001354263.2, NM_001354611.2); c.466G>C, p.Glu156Gln (NM_001354259.2, NM_001354612.2); short protein forms E156Q, E187Q.
Identifiers: ClinVar variation 1683720 (VCV001683720.2), dbSNP rs767797390, ClinGen allele CA5374346.